The following is an entry in ClinVar:

NM_001042492.3(NF1):c.6278_6288del (p.Ser2093fs)

Gene: NF1 (neurofibromin 1; plus strand). Cytogenetic location: 17q11.2.
Variant type: Deletion.
Coding change: c.6278_6288del on transcript NM_001042492.3 (MANE Select); coding-DNA positions 6278 to 6288, 11 bases deleted (CCCTTGATGTG).
Protein change: p.Ser2093fs; shifts the reading frame from serine 2093.
Molecular consequence: frameshift variant.
Genome position (GRCh38, 1-based): chr17:31,336,765-31,336,775, CCCTTGATGTG deleted. VCF-style (leftmost placement, unchanged base first): chr17-31336764-TCCCTTGATGTG-T. GRCh37 (hg19) VCF-style: chr17-29663782-TCCCTTGATGTG-T.
Other names: c.6215_6225delCCCTTGATGTG, p.Ser2072Cysfs (NM_000267.4); short protein forms S2072fs, S2093fs.
Identifiers: ClinVar variation 2737151 (VCV002737151.3), dbSNP rs2508748949, ClinGen allele CA2697559643.
Genomic context (GRCh38, chr17:31,336,764, plus strand): 5'-CTTATGTGGGATGATATTGCTATTTTAGCACGCTACATGCTGATGCTGTCCTTCAACAAT[TCCCTTGATGTG>T]GCAGCTCATCTTCCCTACCTCTTCCACGTTGTTACTTTCTTAGTAGCCACAGGTCCGCTC-3'

ClinVar aggregate classification (germline): Pathogenic (1 of 4 stars; one submission).

Conditions:
Neurofibromatosis, type 1 (NF1). Also called: Neurofibromatosis, type I; Peripheral type neurofibromatosis; VON RECKLINGHAUSEN DISEASE; NEUROFIBROMATOSIS, TYPE I, SOMATIC. Identifiers: Orphanet 636, MedGen C0027831, MONDO:0018975, OMIM 162200. Disease mechanism: loss of function.

Submission:

Labcorp Genetics (formerly Invitae), Labcorp
Classification: Pathogenic for Neurofibromatosis, type 1. Last evaluated: 2023-07-07. Review status: criteria provided, single submitter. Criteria: Invitae Variant Classification Sherloc (09022015). Collection method: clinical testing. Allele origin: germline.
Comment: This variant has not been reported in the literature in individuals affected with NF1-related conditions. For these reasons, this variant has been classified as Pathogenic. This variant is not present in population databases (gnomAD no frequency). This sequence change creates a premature translational stop signal (p.Ser2072Cysfs*23) in the NF1 gene. It is expected to result in an absent or disrupted protein product. Loss-of-function variants in NF1 are known to be pathogenic (PMID: 10712197, 23913538).

Literature cited by the submitters: PubMed 10712197; PubMed 23913538.